The following is an entry in ClinVar:

NM_018897.3(DNAH7):c.4691C>A (p.Pro1564Gln)

Gene: DNAH7 (dynein axonemal heavy chain 7; minus strand). Cytogenetic location: 2q32.3.
Variant type: single nucleotide variant.
Coding change: c.4691C>A on transcript NM_018897.3 (MANE Select); coding-DNA position 4691, C replaced by A.
Protein change: p.Pro1564Gln; replaces proline 1564 with glutamine.
Molecular consequence: missense variant.
Genome position (GRCh38, 1-based): chr2:195,895,181, G>T on the plus strand (C>A on the coding strand, the complement: DNAH7 is on the minus strand). VCF-style: chr2-195895181-G-T. GRCh37 (hg19) VCF-style: chr2-196759905-G-T.
Other names: short protein forms P1564Q.
Identifiers: ClinVar variation 3361207 (VCV003361207.1).

ClinVar aggregate classification (germline): Uncertain significance (1 of 4 stars; one submission).

Submission:

GeneDx
Classification: Uncertain significance. Last evaluated: 2023-07-18. Review status: criteria provided, single submitter. Criteria: GeneDx Variant Classification Process June 2021. Collection method: clinical testing. Allele origin: germline. Affected: yes.
Comment: Not observed at significant frequency in large population cohorts (gnomAD); In silico analysis supports that this missense variant has a deleterious effect on protein structure/function; Has not been previously published as pathogenic or benign to our knowledge; Variants in candidate genes are classified as variants of uncertain significance in accordance with ACMG guidelines (Richards et al., 2015)